The following is an entry in ClinVar:

NM_004991.4(MECOM):c.3602T>G (p.Leu1201Arg)

Gene: MECOM (MDS1 and EVI1 complex locus; minus strand). Cytogenetic location: 3q26.2.
Variant type: single nucleotide variant.
Coding change: c.3602T>G on transcript NM_004991.4 (MANE Select); coding-DNA position 3602, T replaced by G.
Protein change: p.Leu1201Arg; replaces leucine 1201 with arginine.
Molecular consequence: missense variant.
Genome position (GRCh38, 1-based): chr3:169,085,027, A>C on the plus strand (T>G on the coding strand, the complement: MECOM is on the minus strand). VCF-style: chr3-169085027-A-C. GRCh37 (hg19) VCF-style: chr3-168802815-A-C.
Other names: c.3233T>G, p.Leu1078Arg (NM_001105077.4); c.3038T>G, p.Leu1013Arg (NM_001105078.4, NM_001205194.2, NM_001366469.2 and 1 more transcripts); c.3014T>G, p.Leu1005Arg (NM_001163999.2, NM_001366470.2); c.3011T>G, p.Leu1004Arg (NM_001164000.2, NM_001366471.2, NM_001366472.2); c.3575T>G, p.Leu1192Arg (NM_001366466.2); c.3041T>G, p.Leu1014Arg (NM_001366467.2, NM_001366468.2); c.2603T>G, p.Leu868Arg (NM_001366473.2); c.2039T>G, p.Leu680Arg (NM_001366474.2); short protein forms L1004R, L1005R, L1013R, L1014R, L1078R, L1192R, L1201R, L680R.
Identifiers: ClinVar variation 4859802 (VCV004859802.1).

ClinVar aggregate classification (germline): Uncertain significance (1 of 4 stars; one submission).

Conditions:
Inborn genetic diseases. Identifiers: MedGen C0950123, MeSH D030342.

Submission:

Ambry Genetics
Classification: Uncertain significance for Inborn genetic diseases. Last evaluated: 2026-05-27. Review status: criteria provided, single submitter. Criteria: Ambry Variant Classification Scheme 2023. Collection method: clinical testing. Allele origin: germline.
Comment: The p.L1201R variant (also known as c.3602T>G), located in coding exon 17 of the MECOM gene, results from a T to G substitution at nucleotide position 3602. The leucine at codon 1201 is replaced by arginine, an amino acid with dissimilar properties. This amino acid position is conserved. In addition, the in silico prediction for this alteration is inconclusive. Based on the available evidence, the clinical significance of this variant remains unclear.